The following is an entry in ClinVar:

ClinVar aggregate classification (germline): Pathogenic. Review status: criteria provided, multiple submitters, no conflicts (2 of 4 stars). 2 submissions from 2 submitters: Pathogenic (2). Last evaluated 2026-01-24.

Conditions:
Juvenile myelomonocytic leukemia (JMML). Also called: LEUKEMIA, JUVENILE MYELOMONOCYTIC, SOMATIC. Identifiers: Orphanet 86834, MedGen C0349639, MONDO:0011908, OMIM 607785, HP:0012209.
Neurofibromatosis, type 1 (NF1). Also called: VON RECKLINGHAUSEN DISEASE; NEUROFIBROMATOSIS, TYPE I, SOMATIC; Neurofibromatosis, type I; Peripheral type neurofibromatosis. Identifiers: Orphanet 636, MedGen C0027831, MONDO:0018975, OMIM 162200. Disease mechanism: loss of function.

Submissions (2):

Labcorp Genetics (formerly Invitae), Labcorp
Classification: Pathogenic for Neurofibromatosis, type 1. Last evaluated: 2026-01-24. Review status: criteria provided, single submitter. Criteria: Invitae Variant Classification Sherloc (09022015). Collection method: clinical testing. Allele origin: germline.
Comment: This sequence change creates a premature translational stop signal (p.Asn2366*) in the NF1 gene. It is expected to result in an absent or disrupted protein product. Loss-of-function variants in NF1 are known to be pathogenic (PMID: 10712197, 23913538). This variant is not present in population databases (gnomAD no frequency). This premature translational stop signal has been observed in individual(s) with neurofibromatosis, type 1 (PMID: 18546366, 21520333). Invitae Evidence Modeling of clinical and family history, age, sex, and reported ancestry of multiple individuals with this NF1 variant has been performed. This variant is expected to be pathogenic with a positive predictive value of at least 99%. This is a validated machine learning model that incorporates the clinical features of 1,785,918 individuals referred to our laboratory for NF1 testing. ClinVar contains an entry for this variant (Variation ID: 1421501). For these reasons, this variant has been classified as Pathogenic.

Baylor Genetics
Classification: Pathogenic for Juvenile myelomonocytic leukemia. Last evaluated: 2023-12-29. Review status: criteria provided, single submitter. Criteria: ACMG Guidelines, 2015. Collection method: clinical testing. Allele origin: unknown.

Literature cited by the submitters: PubMed 10712197 (cited by Labcorp Genetics (formerly Invitae), Labcorp); PubMed 23913538 (cited by Labcorp Genetics (formerly Invitae), Labcorp); PubMed 18546366 (cited by Labcorp Genetics (formerly Invitae), Labcorp); PubMed 21520333 (cited by Labcorp Genetics (formerly Invitae), Labcorp).

NM_001042492.3(NF1):c.7158dup (p.Asn2387Ter)

Gene: NF1 (neurofibromin 1; plus strand). Cytogenetic location: 17q11.2.
Variant type: Duplication.
Coding change: c.7158dup on transcript NM_001042492.3 (MANE Select); coding-DNA position 7158, one base duplicated (T; older notation c.7158dupT).
Protein change: p.Asn2387Ter; replaces asparagine 2387 with a stop codon.
Molecular consequence: nonsense. On other transcripts: frameshift variant (1).
Genome position (GRCh38, 1-based): chr17:31,343,104, T duplicated; the last of 3 consecutive T bases (chr17:31,343,102-31,343,104); duplicating any one gives the same sequence. VCF-style (leftmost placement, unchanged base first): chr17-31343101-C-CT. GRCh37 (hg19) VCF-style: chr17-29670119-C-CT.
Other names: c.7095dup, p.Asn2366Terfs (NM_000267.4); short protein forms N2387*, N2366*.
Identifiers: ClinVar variation 1421501 (VCV001421501.7), dbSNP rs1597851420, ClinGen allele CA658761009.